The following is an entry in ClinVar:

ClinVar aggregate classification (germline): Uncertain significance (1 of 4 stars; one submission).

Conditions:
Oligodontia-cancer predisposition syndrome. Also called: TOOTH AGENESIS-COLORECTAL CANCER SYNDROME. Identifiers: MedGen C1837750, MONDO:0012075, OMIM 608615, Orphanet 300576. Disease mechanism: loss of function.

Submission:

Labcorp Genetics (formerly Invitae), Labcorp
Classification: Uncertain significance for Oligodontia-cancer predisposition syndrome. Last evaluated: 2023-04-20. Review status: criteria provided, single submitter. Criteria: Invitae Variant Classification Sherloc (09022015). Collection method: clinical testing. Allele origin: germline.
Comment: This variant is not present in population databases (gnomAD no frequency). This sequence change replaces glutamine, which is neutral and polar, with arginine, which is basic and polar, at codon 164 of the AXIN2 protein (p.Gln164Arg). This variant has not been reported in the literature in individuals affected with AXIN2-related conditions. Advanced modeling of protein sequence and biophysical properties (such as structural, functional, and spatial information, amino acid conservation, physicochemical variation, residue mobility, and thermodynamic stability) has been performed at Invitae for this missense variant, however the output from this modeling did not meet the statistical confidence thresholds required to predict the impact of this variant on AXIN2 protein function. In summary, the available evidence is currently insufficient to determine the role of this variant in disease. Therefore, it has been classified as a Variant of Uncertain Significance.

NM_004655.4(AXIN2):c.491A>G (p.Gln164Arg)

Gene: AXIN2 (axin 2; minus strand). Cytogenetic location: 17q24.1.
Variant type: single nucleotide variant.
Coding change: c.491A>G on transcript NM_004655.4 (MANE Select); coding-DNA position 491, A replaced by G.
Protein change: p.Gln164Arg; replaces glutamine 164 with arginine.
Molecular consequence: missense variant.
Genome position (GRCh38, 1-based): chr17:65,558,130, T>C on the plus strand (A>G on the coding strand, the complement: AXIN2 is on the minus strand). VCF-style: chr17-65558130-T-C. GRCh37 (hg19) VCF-style: chr17-63554248-T-C.
Other names: c.491A>G, p.Gln164Arg (NM_001363813.1); short protein forms Q164R.
Identifiers: ClinVar variation 2857830 (VCV002857830.3), dbSNP rs2544250233, ClinGen allele CA400681192.